The following is an entry in ClinVar:

ClinVar aggregate classification (germline): Likely benign. Review status: criteria provided, multiple submitters, no conflicts (2 of 4 stars). 7 submissions from 7 submitters: Likely benign (4). 3 of the submissions do not count toward it. Last evaluated 2026-01-05.

Conditions:
Cardiovascular phenotype. Identifiers: MedGen CN230736.
Catecholaminergic polymorphic ventricular tachycardia (CVPT). Also called: Catecholamine-induced polymorphic ventricular tachycardia. Identifiers: Orphanet 3286, MedGen C5574922, MONDO:0017990.
Cardiomyopathy (CMYO). Also called: Cardiomyopathies. Identifiers: Orphanet 167848, MedGen C0878544, MONDO:0004994, HP:0001638. Inheritance: Various modes of inheritance.
Catecholaminergic polymorphic ventricular tachycardia 1. Also called: VENTRICULAR TACHYCARDIA, STRESS-INDUCED POLYMORPHIC 1; VENTRICULAR TACHYCARDIA, CATECHOLAMINERGIC POLYMORPHIC, 1, WITH OR WITHOUT ATRIAL DYSFUNCTION AND/OR DILATED CARDIOMYOPATHY; RYR2-Related Catecholaminergic Polymorphic Ventricular Tachycardia. Identifiers: Orphanet 3286, MedGen C1631597, MONDO:0011484, OMIM 604772.

Allele frequency attached by ClinVar (database versions not stated): gnomAD exomes below 0.00001; ExAC 0.00001.
gnomAD v4.1: 6 of 1,612,472 alleles (0.00037%); highest among the groups gnomAD compares: East Asian, 0.0022%; no homozygotes.

Submissions (7):

Labcorp Genetics (formerly Invitae), Labcorp
Classification: Likely benign for Catecholaminergic polymorphic ventricular tachycardia 1. Last evaluated: 2026-01-05. Review status: criteria provided, single submitter. Criteria: Invitae Variant Classification Sherloc (09022015). Collection method: clinical testing. Allele origin: germline.

Ambry Genetics
Classification: Likely benign for Cardiovascular phenotype. Last evaluated: 2025-03-23. Review status: criteria provided, single submitter. Criteria: Ambry Variant Classification Scheme 2023. Collection method: clinical testing. Allele origin: germline.

All of Us Research Program, National Institutes of Health
Classification: Likely benign for Catecholaminergic polymorphic ventricular tachycardia. Last evaluated: 2023-06-26. Review status: criteria provided, single submitter. Criteria: ACMG Guidelines, 2015. Collection method: clinical testing. Allele origin: germline. Inheritance: Autosomal dominant inheritance. Observed: 2 variant alleles, 2 heterozygotes.
Comment: This study involves interpretation of variants in research participants for the purpose of population health screening. Participant phenotype was not available at the time of variant classification. Additional details can be found in publication PMID: 35346344, PMCID: PMC8962531

Color Diagnostics, LLC DBA Color Health
Classification: Likely benign for Cardiomyopathy. Last evaluated: 2019-05-16. Review status: criteria provided, single submitter. Criteria: ACMG Guidelines, 2015. Collection method: clinical testing. Allele origin: germline.

Clinical Genetics DNA and cytogenetics Diagnostics Lab, Erasmus MC, Erasmus Medical Center
Classification: Likely benign. Review status: no assertion criteria provided. Collection method: clinical testing. Allele origin: germline. Affected: yes. Study: VKGL Data-share Consensus. Not counted in ClinVar's aggregate classification.

Diagnostic Laboratory, Department of Genetics, University Medical Center Groningen
Classification: Likely benign. Review status: no assertion criteria provided. Collection method: clinical testing. Allele origin: germline. Affected: yes. Study: VKGL Data-share Consensus. Not counted in ClinVar's aggregate classification.

Genome Diagnostics Laboratory, University Medical Center Utrecht
Classification: Likely benign. Review status: no assertion criteria provided. Collection method: clinical testing. Allele origin: germline. Affected: yes. Study: VKGL Data-share Consensus. Not counted in ClinVar's aggregate classification.

NM_001035.3(RYR2):c.8643G>A (p.Glu2881=)

Gene: RYR2 (ryanodine receptor 2; plus strand). Cytogenetic location: 1q43.
Variant type: single nucleotide variant.
Coding change: c.8643G>A on transcript NM_001035.3 (MANE Select); coding-DNA position 8643, G replaced by A.
Protein change: p.Glu2881=; no amino-acid change (glutamic acid 2881 retained).
Molecular consequence: synonymous variant.
Genome position (GRCh38, 1-based): chr1:237,674,148, G>A. VCF-style: chr1-237674148-G-A. GRCh37 (hg19) VCF-style: chr1-237837448-G-A.
Other names: c.8643G>A, p.Glu2881= (LRG_402t1).
Identifiers: ClinVar variation 463647 (VCV000463647.22), dbSNP rs749903392, ClinGen allele CA087697.